The following is an entry in ClinVar:

NM_022042.4(SLC26A1):c.1487T>G (p.Leu496Arg)

Genes: IDUA (alpha-L-iduronidase; plus strand), SLC26A1 (solute carrier family 26 member 1; minus strand). Cytogenetic location: 4p16.3.
Variant type: single nucleotide variant.
Coding change: c.1487T>G on transcript NM_022042.4 (MANE Select); coding-DNA position 1487, T replaced by G.
Protein change: p.Leu496Arg; replaces leucine 496 with arginine.
Molecular consequence: missense variant. On other transcripts: intron variant (2).
Genome position (GRCh38, 1-based): chr4:989,452, A>C on the plus strand (T>G on the coding strand, the complement: SLC26A1 is on the minus strand). VCF-style: chr4-989452-A-C. GRCh37 (hg19) VCF-style: chr4-983240-A-C.
Other names: c.1487T>G, p.Leu496Arg (NM_213613.4); c.576+1676T>G (NM_134425.4); c.299+1503A>C (NM_000203.5); short protein forms L496R.
Identifiers: ClinVar variation 374260 (VCV000374260.2), dbSNP rs1057518652, ClinGen allele CA16043659.

ClinVar aggregate classification (germline): Uncertain significance (0 of 4 stars; one submission).

Conditions:
Epileptic encephalopathy. Identifiers: MedGen C0543888, HP:0200134.

Submission:

Baylor Genetics
Classification: Uncertain significance for Epileptic encephalopathy. Last evaluated: 2014-10-16. Review status: no assertion criteria provided. Collection method: clinical testing. Allele origin: de novo. Inheritance: Autosomal dominant inheritance. Affected: yes. Observed: 1 variant allele, 1 heterozygote.
Comment: A de novo copy number loss of 1.5 Mb genomic region encompassing the SLC26A1 gene was found in a patient with epileptic encephalopathy (PMID 22190369).